The following is an entry in ClinVar:

NM_020631.6(PLEKHG5):c.454G>A (p.Gly152Arg)

Gene: PLEKHG5 (pleckstrin homology and RhoGEF domain containing G5; minus strand). Cytogenetic location: 1p36.31.
Variant type: single nucleotide variant.
Coding change: c.454G>A on transcript NM_020631.6 (MANE Select); coding-DNA position 454, G replaced by A.
Protein change: p.Gly152Arg; replaces glycine 152 with arginine.
Molecular consequence: missense variant.
Genome position (GRCh38, 1-based): chr1:6,474,150, C>T on the plus strand (G>A on the coding strand, the complement: PLEKHG5 is on the minus strand). VCF-style: chr1-6474150-C-T. GRCh37 (hg19) VCF-style: chr1-6534210-C-T.
Other names: c.565G>A, p.Gly189Arg (NM_001042663.3, NM_001265592.2); c.454G>A, p.Gly152Arg (NM_001042664.2, NM_001042665.2, NM_001265594.3 and 1 more transcripts); c.661G>A, p.Gly221Arg (NM_001265593.2); short protein forms G189R, G152R, G221R.
Identifiers: ClinVar variation 2112084 (VCV002112084.4), dbSNP rs2523204473, ClinGen allele CA338138913.

ClinVar aggregate classification (germline): Uncertain significance (1 of 4 stars; one submission).

Conditions:
Charcot-Marie-Tooth disease recessive intermediate C. Also called: CHARCOT-MARIE-TOOTH NEUROPATHY, RECESSIVE INTERMEDIATE C. Identifiers: Orphanet 369867, MedGen C3809309, MONDO:0014154, OMIM 615376.
Neuronopathy, distal hereditary motor, autosomal recessive 4. Also called: Autosomal recessive lower motor neuron disease with childhood onset; NEUROPATHY, DISTAL HEREDITARY MOTOR, AUTOSOMAL RECESSIVE 4. Identifiers: Orphanet 206580, MedGen C1970211, MONDO:0012608, OMIM 611067.

Allele frequency attached by ClinVar (database versions not stated): gnomAD exomes below 0.00001.
gnomAD v4.1: 1 of 1,613,528 alleles (0.000062%); highest among the groups gnomAD compares: Non-Finnish European, 0.000085%; no homozygotes.

Submission:

Labcorp Genetics (formerly Invitae), Labcorp
Classification: Uncertain significance for Neuronopathy, distal hereditary motor, autosomal recessive 4; Charcot-Marie-Tooth disease recessive intermediate C. Last evaluated: 2022-03-14. Review status: criteria provided, single submitter. Criteria: Invitae Variant Classification Sherloc (09022015). Collection method: clinical testing. Allele origin: germline.
Comment: In summary, the available evidence is currently insufficient to determine the role of this variant in disease. Therefore, it has been classified as a Variant of Uncertain Significance. Algorithms developed to predict the effect of missense changes on protein structure and function are either unavailable or do not agree on the potential impact of this missense change (SIFT: "Tolerated"; PolyPhen-2: "Probably Damaging"; Align-GVGD: "Class C0"). This variant has not been reported in the literature in individuals affected with PLEKHG5-related conditions. This variant is not present in population databases (gnomAD no frequency). This sequence change replaces glycine, which is neutral and non-polar, with arginine, which is basic and polar, at codon 152 of the PLEKHG5 protein (p.Gly152Arg).